The following is an entry in ClinVar:

ClinVar aggregate classification (germline): Uncertain significance. Review status: criteria provided, multiple submitters, no conflicts (2 of 4 stars). 2 submissions from 2 submitters: Uncertain significance (2). Last evaluated 2025-08-23.

Conditions:
AHDC1-related intellectual disability - obstructive sleep apnea - mild dysmorphism syndrome. Also called: Xia-Gibbs syndrome. Identifiers: Orphanet 412069, MedGen C4014419, MONDO:0014358, OMIM 615829.
Inborn genetic diseases. Identifiers: MedGen C0950123, MeSH D030342.

Allele frequency attached by ClinVar (database versions not stated): gnomAD exomes below 0.00001; gnomAD 0.00001; TOPMed 0.00001.
gnomAD v4.1: 4 of 1,566,188 alleles (0.00026%); highest among the groups gnomAD compares: African/African-American, 0.0027%; no homozygotes.

Submissions (2):

Ambry Genetics
Classification: Uncertain significance for Inborn genetic diseases. Last evaluated: 2025-08-23. Review status: criteria provided, single submitter. Criteria: Ambry Variant Classification Scheme 2023. Collection method: clinical testing. Allele origin: germline.

Foundation for Research in Genetics and Endocrinology, FRIGE's Institute of Human Genetics
Classification: Uncertain significance for AHDC1-related intellectual disability - obstructive sleep apnea - mild dysmorphism syndrome. Last evaluated: 2024-06-01. Review status: criteria provided, single submitter. Criteria: ACMG Guidelines, 2015. Collection method: clinical testing. Allele origin: germline. Inheritance: Autosomal dominant inheritance. Affected: yes. Observed: 1 heterozygote.
Comment: A heterozygous missense variant in exon 8 of the AHDC1 gene that results in the amino acid substitution of Threonine for Alanine at codon 1440 (p.Ala1440Thr) was detected. The p.Ala1440Thr variant has not been reported in the 1000 genomes and gnomAD (v2.1) databases and has a minor allele frequency of 0.001% and 0.001% in the gnomAD (v3.1) and topmed databases respectively. The reference codon is conserved across species. In summary, the variant meets our criteria to be classified as variant of uncertain significance.

NM_001371928.1(AHDC1):c.4318G>A (p.Ala1440Thr)

Gene: AHDC1 (AT-hook DNA binding motif containing 1; minus strand). Cytogenetic location: 1p36.11.
Variant type: single nucleotide variant.
Coding change: c.4318G>A on transcript NM_001371928.1 (MANE Select); coding-DNA position 4318, G replaced by A.
Protein change: p.Ala1440Thr; replaces alanine 1440 with threonine.
Molecular consequence: missense variant.
Genome position (GRCh38, 1-based): chr1:27,547,798, C>T on the plus strand (G>A on the coding strand, the complement: AHDC1 is on the minus strand). VCF-style: chr1-27547798-C-T. GRCh37 (hg19) VCF-style: chr1-27874309-C-T.
Other names: p.Ala1440Thr; c.4318G>A (NM_001029882.2); c.4318G>A, p.Ala1440Thr (NM_001029882.3); c.274G>A, p.Ala92Thr (NM_015699.1); short protein forms A1440T, A92T.
Identifiers: ClinVar variation 3238628 (VCV003238628.3), dbSNP rs1425646468.